The following is an entry in ClinVar:

NM_000742.4(CHRNA2):c.917C>T (p.Ser306Leu)

Gene: CHRNA2 (cholinergic receptor nicotinic alpha 2 subunit; minus strand). Cytogenetic location: 8p21.2.
Variant type: single nucleotide variant.
Coding change: c.917C>T on transcript NM_000742.4 (MANE Select); coding-DNA position 917, C replaced by T.
Protein change: p.Ser306Leu; replaces serine 306 with leucine.
Molecular consequence: missense variant.
Genome position (GRCh38, 1-based): chr8:27,463,526, G>A on the plus strand (C>T on the coding strand, the complement: CHRNA2 is on the minus strand). VCF-style: chr8-27463526-G-A. GRCh37 (hg19) VCF-style: chr8-27321043-G-A.
Other names: c.872C>T, p.Ser291Leu (NM_001282455.2); c.440C>T, p.Ser147Leu (NM_001347705.2, NM_001347706.2); c.323C>T, p.Ser108Leu (NM_001347707.2, NM_001347708.2); short protein forms S147L, S306L, S108L, S291L.
Identifiers: ClinVar variation 4741815 (VCV004741815.1).

ClinVar aggregate classification (germline): Uncertain significance (1 of 4 stars; one submission).

Conditions:
Familial sleep-related hypermotor epilepsy. Also called: Autosomal Dominant Sleep-Related Hypermotor (Hyperkinetic) Epilepsy. Identifiers: Orphanet 98784, MedGen C3696898, MONDO:0000030.

Submission:

Labcorp Genetics (formerly Invitae), Labcorp
Classification: Uncertain significance. Last evaluated: 2025-10-10. Review status: criteria provided, single submitter. Criteria: Invitae Variant Classification Sherloc (09022015). Collection method: clinical testing. Allele origin: germline.
Comment: This sequence change replaces serine, which is neutral and polar, with leucine, which is neutral and non-polar, at codon 306 of the CHRNA2 protein (p.Ser306Leu). This variant is not present in population databases (gnomAD no frequency). This variant has not been reported in the literature in individuals affected with CHRNA2-related conditions. Invitae Evidence Modeling of protein sequence and biophysical properties (such as structural, functional, and spatial information, amino acid conservation, physicochemical variation, residue mobility, and thermodynamic stability) indicates that this missense variant is expected to disrupt CHRNA2 protein function with a positive predictive value of 80%. In summary, the available evidence is currently insufficient to determine the role of this variant in disease. Therefore, it has been classified as a Variant of Uncertain Significance.